The following is an entry in ClinVar:

ClinVar aggregate classification (germline): Uncertain significance (1 of 4 stars; one submission).

Conditions:
Hypokalemic periodic paralysis, type 1. Also called: Hypokalemic Periodic Paralysis Type 1 (AD); HypoPP. Identifiers: Orphanet 681, MedGen C3714580, MONDO:0042979, OMIM 170400.
Malignant hyperthermia, susceptibility to, 5 (MHS5). Also called: CACNA1S-Related Malignant Hyperthermia Susceptibility. Identifiers: Orphanet 423, MedGen C1866077, MONDO:0011163, OMIM 601887.

Allele frequency attached by ClinVar (database versions not stated): gnomAD exomes below 0.00001; TOPMed below 0.00001.
gnomAD v4.1: 2 of 1,613,860 alleles (0.00012%); highest among the groups gnomAD compares: South Asian, 0.0011%; no homozygotes.

Submission:

Labcorp Genetics (formerly Invitae), Labcorp
Classification: Uncertain significance for Hypokalemic periodic paralysis, type 1; Malignant hyperthermia, susceptibility to, 5. Last evaluated: 2022-11-02. Review status: criteria provided, single submitter. Criteria: Invitae Variant Classification Sherloc (09022015). Collection method: clinical testing. Allele origin: germline.
Comment: This sequence change replaces glycine, which is neutral and non-polar, with tryptophan, which is neutral and slightly polar, at codon 1760 of the CACNA1S protein (p.Gly1760Trp). This variant is not present in population databases (gnomAD no frequency). In summary, the available evidence is currently insufficient to determine the role of this variant in disease. Therefore, it has been classified as a Variant of Uncertain Significance. Advanced modeling of protein sequence and biophysical properties (such as structural, functional, and spatial information, amino acid conservation, physicochemical variation, residue mobility, and thermodynamic stability) performed at Invitae indicates that this missense variant is not expected to disrupt CACNA1S protein function. This variant has not been reported in the literature in individuals affected with CACNA1S-related conditions.

NM_000069.3(CACNA1S):c.5278G>T (p.Gly1760Trp)

Gene: CACNA1S (calcium voltage-gated channel subunit alpha1 S; minus strand). Cytogenetic location: 1q32.1.
Variant type: single nucleotide variant.
Coding change: c.5278G>T on transcript NM_000069.3 (MANE Select); coding-DNA position 5278, G replaced by T.
Protein change: p.Gly1760Trp; replaces glycine 1760 with tryptophan.
Molecular consequence: missense variant.
Genome position (GRCh38, 1-based): chr1:201,040,323, C>A on the plus strand (G>T on the coding strand, the complement: CACNA1S is on the minus strand). VCF-style: chr1-201040323-C-A. GRCh37 (hg19) VCF-style: chr1-201009451-C-A.
Other names: short protein forms G1760W.
Identifiers: ClinVar variation 1902518 (VCV001902518.5), dbSNP rs1660103518, ClinGen allele CA344131127.